The following is an entry in ClinVar:

NM_001365999.1(SZT2):c.7765G>A (p.Gly2589Ser)

Gene: SZT2 (SZT2 subunit of KICSTOR complex; plus strand). Cytogenetic location: 1p34.2.
Variant type: single nucleotide variant.
Coding change: c.7765G>A on transcript NM_001365999.1 (MANE Select); coding-DNA position 7765, G replaced by A.
Protein change: p.Gly2589Ser; replaces glycine 2589 with serine.
Molecular consequence: missense variant.
Genome position (GRCh38, 1-based): chr1:43,442,022, G>A. VCF-style: chr1-43442022-G-A. GRCh37 (hg19) VCF-style: chr1-43907693-G-A.
Other names: c.7594G>A, p.Gly2532Ser (NM_015284.4); c.7594G>A (NM_015284.3); short protein forms G2532S, G2589S.
Identifiers: ClinVar variation 1012732 (VCV001012732.43), dbSNP rs780094265, ClinGen allele CA810331.

ClinVar aggregate classification (germline): Conflicting classifications of pathogenicity. Review status: criteria provided, conflicting classifications (1 of 4 stars). 4 submissions from 4 submitters: Uncertain significance (3); Likely benign (1). Last evaluated 2025-05-25.

Conditions:
Inborn genetic diseases. Identifiers: MedGen C0950123, MeSH D030342.
Developmental and epileptic encephalopathy, 18 (DEE18). Also called: Early infantile epileptic encephalopathy 18. Identifiers: Orphanet 369894, MedGen C3809624, MONDO:0014201, OMIM 615476.

Allele frequency attached by ClinVar (database versions not stated): TOPMed below 0.00001; gnomAD 0.00002.
gnomAD v4.1: 22 of 1,613,454 alleles (0.0014%); highest among the groups gnomAD compares: South Asian, 0.011%; no homozygotes.

Submissions (4):

Ambry Genetics
Classification: Likely benign for Inborn genetic diseases. Last evaluated: 2025-05-25. Review status: criteria provided, single submitter. Criteria: Ambry Variant Classification Scheme 2023. Collection method: clinical testing. Allele origin: germline.

Labcorp Genetics (formerly Invitae), Labcorp
Classification: Uncertain significance. Last evaluated: 2024-09-23. Review status: criteria provided, single submitter. Criteria: Invitae Variant Classification Sherloc (09022015). Collection method: clinical testing. Allele origin: germline.
Comment: This sequence change replaces glycine, which is neutral and non-polar, with serine, which is neutral and polar, at codon 2532 of the SZT2 protein (p.Gly2532Ser). This variant is present in population databases (rs780094265, gnomAD 0.005%). This variant has not been reported in the literature in individuals affected with SZT2-related conditions. ClinVar contains an entry for this variant (Variation ID: 1012732). Invitae Evidence Modeling of protein sequence and biophysical properties (such as structural, functional, and spatial information, amino acid conservation, physicochemical variation, residue mobility, and thermodynamic stability) indicates that this missense variant is not expected to disrupt SZT2 protein function with a negative predictive value of 80%. In summary, the available evidence is currently insufficient to determine the role of this variant in disease. Therefore, it has been classified as a Variant of Uncertain Significance.

Genome-Nilou Lab
Classification: Uncertain significance for Developmental and epileptic encephalopathy, 18. Last evaluated: 2023-04-11. Review status: criteria provided, single submitter. Criteria: ACMG Guidelines, 2015. Collection method: clinical testing. Allele origin: germline. Affected: no.

CeGaT Center for Human Genetics Tuebingen
Classification: Uncertain significance. Last evaluated: 2020-10-01. Review status: criteria provided, single submitter. Criteria: CeGaT Center For Human Genetics Tuebingen Variant Classification Criteria Version 2. Collection method: clinical testing. Allele origin: germline. Affected: yes. Observed: 1 variant allele.